The following is an entry in ClinVar:

ClinVar aggregate classification (germline): Likely benign (1 of 4 stars; one submission).

Conditions:
JAG1-related disorder. Also called: JAG1-related condition; JAG1-related disorders.

Submission:

PreventionGenetics, part of Exact Sciences
Classification: Likely benign for JAG1-related condition. Last evaluated: 2025-08-17. Review status: criteria provided, single submitter. Criteria: ACMG Guidelines, 2015. Collection method: clinical testing. Allele origin: germline.
Comment: This variant is classified as likely benign based on ACMG/AMP sequence variant interpretation guidelines (Richards et al. 2015 PMID: 25741868, with internal and published modifications).

NM_000214.3(JAG1):c.1395G>A (p.Arg465=)

Gene: JAG1 (jagged canonical Notch ligand 1; minus strand). Cytogenetic location: 20p12.2.
Variant type: single nucleotide variant.
Coding change: c.1395G>A on transcript NM_000214.3 (MANE Select); coding-DNA position 1395, G replaced by A.
Protein change: p.Arg465=; no amino-acid change (arginine 465 retained).
Molecular consequence: synonymous variant.
Genome position (GRCh38, 1-based): chr20:10,649,061, C>T on the plus strand (G>A on the coding strand, the complement: JAG1 is on the minus strand). VCF-style: chr20-10649061-C-T. GRCh37 (hg19) VCF-style: chr20-10629709-C-T.
Identifiers: ClinVar variation 4993138 (VCV004993138.1).